The following is an entry in ClinVar:

ClinVar aggregate classification (germline): Uncertain significance. Review status: criteria provided, multiple submitters, no conflicts (2 of 4 stars). 2 submissions from 2 submitters: Uncertain significance (2). Last evaluated 2022-07-22.

Conditions:
Colorectal cancer, hereditary nonpolyposis, type 7. Identifiers: Orphanet 144, MedGen C1858380, MONDO:0013725, OMIM 614385.

Allele frequency attached by ClinVar (database versions not stated): gnomAD 0.00001; ExAC 0.00002; TOPMed 0.00002.
gnomAD v4.1: 3 of 1,614,008 alleles (0.00019%); highest among the groups gnomAD compares: East Asian, 0.0067%; no homozygotes.

Submissions (2):

Labcorp Genetics (formerly Invitae), Labcorp
Classification: Uncertain significance for Colorectal cancer, hereditary nonpolyposis, type 7. Last evaluated: 2022-07-22. Review status: criteria provided, single submitter. Criteria: Invitae Variant Classification Sherloc (09022015). Collection method: clinical testing. Allele origin: germline.
Comment: In summary, the available evidence is currently insufficient to determine the role of this variant in disease. Therefore, it has been classified as a Variant of Uncertain Significance. Algorithms developed to predict the effect of missense changes on protein structure and function are either unavailable or do not agree on the potential impact of this missense change (SIFT: "Deleterious"; PolyPhen-2: "Probably Damaging"; Align-GVGD: "Class C0"). This variant has not been reported in the literature in individuals affected with MLH3-related conditions. This variant is present in population databases (rs774137288, gnomAD 0.02%). This sequence change replaces aspartic acid, which is acidic and polar, with histidine, which is basic and polar, at codon 65 of the MLH3 protein (p.Asp65His).

Ambry Genetics
Classification: Uncertain significance. Last evaluated: 2021-07-04. Review status: criteria provided, single submitter. Criteria: Ambry Variant Classification Scheme 2023. Collection method: clinical testing. Allele origin: germline.
Comment: The p.D65H variant (also known as c.193G>C), located in coding exon 1 of the MLH3 gene, results from a G to C substitution at nucleotide position 193. The aspartic acid at codon 65 is replaced by histidine, an amino acid with similar properties. This amino acid position is conserved. In addition, this alteration is predicted to be deleterious by in silico analysis. Since supporting evidence is limited at this time, the clinical significance of this alteration remains unclear.

NM_001040108.2(MLH3):c.193G>C (p.Asp65His)

Gene: MLH3 (mutL homolog 3; minus strand). Cytogenetic location: 14q24.3.
Variant type: single nucleotide variant.
Coding change: c.193G>C on transcript NM_001040108.2 (MANE Select); coding-DNA position 193, G replaced by C.
Protein change: p.Asp65His; replaces aspartic acid 65 with histidine.
Molecular consequence: missense variant.
Genome position (GRCh38, 1-based): chr14:75,049,463, C>G on the plus strand (G>C on the coding strand, the complement: MLH3 is on the minus strand). VCF-style: chr14-75049463-C-G. GRCh37 (hg19) VCF-style: chr14-75516166-C-G.
Other names: c.193G>C, p.Asp65His (NM_014381.3); short protein forms D65H.
Identifiers: ClinVar variation 1783035 (VCV001783035.7), dbSNP rs774137288, ClinGen allele CA7276080.